The following is an entry in ClinVar:

ClinVar aggregate classification (germline): Uncertain significance. Review status: criteria provided, multiple submitters, no conflicts (2 of 4 stars). 2 submissions from 2 submitters: Uncertain significance (2). Last evaluated 2025-10-23.

Conditions:
Early-infantile DEE. Also called: Early infantile epileptic encephalopathy; Ohtahara syndrome; Early infantile epileptic encephalopathy with suppression bursts. Identifiers: Orphanet 1934, MedGen C0393706, MONDO:0800491.

Submissions (2):

GeneDx
Classification: Uncertain significance. Last evaluated: 2025-10-23. Review status: criteria provided, single submitter. Criteria: GeneDx Variant Classification Process June 2021. Collection method: clinical testing. Allele origin: germline.
Comment: Not observed at significant frequency in large population cohorts (gnomAD); In silico analysis supports that this missense variant has a deleterious effect on protein structure/function; Has not been previously published as pathogenic or benign to our knowledge

Labcorp Genetics (formerly Invitae), Labcorp
Classification: Uncertain significance for Early-infantile DEE. Last evaluated: 2025-03-09. Review status: criteria provided, single submitter. Criteria: Invitae Variant Classification Sherloc (09022015). Collection method: clinical testing. Allele origin: germline.
Comment: This sequence change replaces aspartic acid, which is acidic and polar, with asparagine, which is neutral and polar, at codon 1436 of the SCN1A protein (p.Asp1436Asn). This variant is not present in population databases (gnomAD no frequency). This variant has not been reported in the literature in individuals affected with SCN1A-related conditions. ClinVar contains an entry for this variant (Variation ID: 2967165). Invitae Evidence Modeling of protein sequence and biophysical properties (such as structural, functional, and spatial information, amino acid conservation, physicochemical variation, residue mobility, and thermodynamic stability) indicates that this missense variant is expected to disrupt SCN1A protein function with a positive predictive value of 95%. In summary, the available evidence is currently insufficient to determine the role of this variant in disease. Therefore, it has been classified as a Variant of Uncertain Significance.

NM_001165963.4(SCN1A):c.4306G>A (p.Asp1436Asn)

Genes: SCN1A (sodium voltage-gated channel alpha subunit 1; minus strand), LOC102724058 (uncharacterized LOC102724058; plus strand). Cytogenetic location: 2q24.3.
Variant type: single nucleotide variant.
Coding change: c.4306G>A on transcript NM_001165963.4 (MANE Select); coding-DNA position 4306, G replaced by A.
Protein change: p.Asp1436Asn; replaces aspartic acid 1436 with asparagine.
Molecular consequence: missense variant. On other transcripts: non-coding transcript variant (1).
Genome position (GRCh38, 1-based): chr2:165,999,755, C>T on the plus strand (G>A on the coding strand, the complement: SCN1A is on the minus strand). VCF-style: chr2-165999755-C-T. GRCh37 (hg19) VCF-style: chr2-166856265-C-T.
Other names: c.4306G>A (NM_001165963.1); c.4273G>A, p.Asp1425Asn (NM_001353950.2, NM_001353951.2, NM_001353952.2 and 2 more transcripts); c.4270G>A, p.Asp1424Asn (NM_001353954.2, NM_001353955.2); c.4222G>A, p.Asp1408Asn (NM_001353957.2, NM_001353958.2, NM_001165964.3); c.4219G>A, p.Asp1407Asn (NM_001353960.2); c.1864G>A, p.Asp622Asn (NM_001353961.2); c.4306G>A, p.Asp1436Asn (NM_001202435.3, NM_001353948.2); short protein forms D1424N, D622N, D1407N, D1408N, D1425N, D1436N.
Identifiers: ClinVar variation 2967165 (VCV002967165.5), dbSNP rs2468408628, ClinGen allele CA349049600.